The following is an entry in ClinVar:

NM_001201543.2(FAM161A):c.1083T>C (p.Pro361=)

Gene: FAM161A (FAM161 centrosomal protein A; minus strand). Cytogenetic location: 2p15.
Variant type: single nucleotide variant.
Coding change: c.1083T>C on transcript NM_001201543.2 (MANE Select); coding-DNA position 1083, T replaced by C.
Protein change: p.Pro361=; no amino-acid change (proline 361 retained).
Molecular consequence: synonymous variant. On other transcripts: non-coding transcript variant (1).
Genome position (GRCh38, 1-based): chr2:61,839,921, A>G on the plus strand (T>C on the coding strand, the complement: FAM161A is on the minus strand). VCF-style: chr2-61839921-A-G. GRCh37 (hg19) VCF-style: chr2-62067056-A-G.
Other names: c.1083T>C, p.Pro361= (NM_032180.3).
Identifiers: ClinVar variation 780350 (VCV000780350.12), dbSNP rs199627215, ClinGen allele CA1679219.

ClinVar aggregate classification (germline): Likely benign. Review status: criteria provided, multiple submitters, no conflicts (2 of 4 stars). 3 submissions from 3 submitters: Likely benign (3). Last evaluated 2025-03-31.

Conditions:
FAM161A-related disorder. Also called: FAM161A-related condition.

Allele frequency attached by ClinVar (database versions not stated): ESP Exome Variant Server 0.00008; TOPMed 0.00009; gnomAD 0.00014 and 0.00015; 1000 Genomes Project 30x 0.00031; 1000 Genomes Project 0.00040; gnomAD exomes 0.00001 and 0.00003; ExAC 0.00006.

Submissions (3):

Labcorp Genetics (formerly Invitae), Labcorp
Classification: Likely benign. Last evaluated: 2025-03-31. Review status: criteria provided, single submitter. Criteria: Invitae Variant Classification Sherloc (09022015). Collection method: clinical testing. Allele origin: germline.

PreventionGenetics, part of Exact Sciences
Classification: Likely benign for FAM161A-related condition. Last evaluated: 2024-11-14. Review status: criteria provided, single submitter. Criteria: ACMG Guidelines, 2015. Collection method: clinical testing. Allele origin: germline.
Comment: This variant is classified as likely benign based on ACMG/AMP sequence variant interpretation guidelines (Richards et al. 2015 PMID: 25741868, with internal and published modifications).

Blueprint Genetics
Classification: Likely benign. Last evaluated: 2021-09-01. Review status: criteria provided, single submitter. Criteria: ACMG Guidelines, 2015. Collection method: clinical testing. Allele origin: germline.